The following is an entry in ClinVar:

ClinVar aggregate classification (germline): Conflicting classifications of pathogenicity. Review status: criteria provided, conflicting classifications (1 of 4 stars). 4 submissions from 4 submitters: Likely pathogenic (1); Uncertain significance (3). Last evaluated 2026-06-09.

Conditions:
ABCB4-related disorder. Also called: ABCB4-related disorders; ABCB4-related condition.
Inborn genetic diseases. Identifiers: MedGen C0950123, MeSH D030342.
Progressive familial intrahepatic cholestasis type 3. Also called: Low Gamma-GT Familial Intrahepatic Cholestasis; MDR3 DEFICIENCY. Identifiers: Orphanet 79305, MedGen C1865643, MONDO:0011214, OMIM 602347.

Allele frequency attached by ClinVar (database versions not stated): gnomAD exomes below 0.00001.
gnomAD v4.1: 6 of 1,614,118 alleles (0.00037%); highest among the groups gnomAD compares: Admixed American, 0.0017%; no homozygotes.

Submissions (4):

PreventionGenetics, part of Exact Sciences
Classification: Uncertain significance for ABCB4-related condition. Last evaluated: 2026-06-09. Review status: criteria provided, single submitter. Criteria: ACMG Guidelines, 2015. Collection method: clinical testing. Allele origin: germline.
Comment: The ABCB4 c.2341G>A variant is predicted to result in the amino acid substitution p.Glu781Lys. To our knowledge, this variant has not been reported in the literature. This variant is reported in 0.0029% of alleles in individuals of Latino descent in gnomAD. At this time, the clinical significance of this variant is uncertain due to the absence of conclusive functional and genetic evidence.

Molecular Genetics Laboratory, Motol Hospital
Classification: Likely pathogenic for Progressive familial intrahepatic cholestasis type 3. Last evaluated: 2025-11-28. Review status: criteria provided, single submitter. Criteria: ACMG Guidelines, 2015. Collection method: clinical testing. Allele origin: germline. Affected: yes. Observed: 1 variant allele.
Comment: Rare variant present in the non-Finnish European population (gnomAD v4.1.0, 5x heterozygous, 5/1179980), reported in dbSNP (rs1401956029) and ClinVar (VCV003003922.2) (PM2). Detected in trans with the known pathogenic variant NM_000443.4:c.1436C>T (PM3). Rare biallelic variants affecting the ABCB4 gene are associated with autosomal recessive "progressive familial intrahepatic cholestasis-3" (PFIC3; MIM:602347; PMID:9419367;PMID:17726488) (PP3). The variant is located in the mutation hotspot in the exon 19 of the ABCB4 gene (PM1). To conclude, the variant c.398G>A is classified as likely pathogenic (PM2, PM1, PM3, PP3).

Ambry Genetics
Classification: Uncertain significance for Inborn genetic diseases. Last evaluated: 2025-08-05. Review status: criteria provided, single submitter. Criteria: Ambry Variant Classification Scheme 2023. Collection method: clinical testing. Allele origin: germline.

Labcorp Genetics (formerly Invitae), Labcorp
Classification: Uncertain significance. Last evaluated: 2023-10-03. Review status: criteria provided, single submitter. Criteria: Invitae Variant Classification Sherloc (09022015). Collection method: clinical testing. Allele origin: germline.
Comment: This sequence change replaces glutamic acid, which is acidic and polar, with lysine, which is basic and polar, at codon 781 of the ABCB4 protein (p.Glu781Lys). This variant is present in population databases (no rsID available, gnomAD 0.003%). This variant has not been reported in the literature in individuals affected with ABCB4-related conditions. Advanced modeling of protein sequence and biophysical properties (such as structural, functional, and spatial information, amino acid conservation, physicochemical variation, residue mobility, and thermodynamic stability) has been performed at Invitae for this missense variant, however the output from this modeling did not meet the statistical confidence thresholds required to predict the impact of this variant on ABCB4 protein function. In summary, the available evidence is currently insufficient to determine the role of this variant in disease. Therefore, it has been classified as a Variant of Uncertain Significance.

Literature cited by the submitters: PubMed 9419367 (cited by Molecular Genetics Laboratory, Motol Hospital); PubMed 17726488 (cited by Molecular Genetics Laboratory, Motol Hospital).

NM_000443.4(ABCB4):c.2341G>A (p.Glu781Lys)

Gene: ABCB4 (ATP binding cassette subfamily B member 4; minus strand). Cytogenetic location: 7q21.12.
Variant type: single nucleotide variant.
Coding change: c.2341G>A on transcript NM_000443.4 (MANE Select); coding-DNA position 2341, G replaced by A.
Protein change: p.Glu781Lys; replaces glutamic acid 781 with lysine.
Molecular consequence: missense variant.
Genome position (GRCh38, 1-based): chr7:87,420,051, C>T on the plus strand (G>A on the coding strand, the complement: ABCB4 is on the minus strand). VCF-style: chr7-87420051-C-T. GRCh37 (hg19) VCF-style: chr7-87049367-C-T.
Other names: c.2341G>A, p.Glu781Lys (NM_018849.3, NM_018850.3); c.2341G>A (NM_000443.3); short protein forms E781K.
Identifiers: ClinVar variation 3003922 (VCV003003922.4), dbSNP rs1401956029, ClinGen allele CA368062743.